The following is an entry in ClinVar:

NM_007055.4(POLR3A):c.3646G>A (p.Glu1216Lys)

Gene: POLR3A (RNA polymerase III subunit A; minus strand). Cytogenetic location: 10q22.3.
Variant type: single nucleotide variant.
Coding change: c.3646G>A on transcript NM_007055.4 (MANE Select); coding-DNA position 3646, G replaced by A.
Protein change: p.Glu1216Lys; replaces glutamic acid 1216 with lysine.
Molecular consequence: missense variant.
Genome position (GRCh38, 1-based): chr10:77,982,267, C>T on the plus strand (G>A on the coding strand, the complement: POLR3A is on the minus strand). VCF-style: chr10-77982267-C-T. GRCh37 (hg19) VCF-style: chr10-79742025-C-T.
Other names: short protein forms E1216K.
Identifiers: ClinVar variation 878905 (VCV000878905.33), dbSNP rs143679064, ClinGen allele CA5570760.

ClinVar aggregate classification (germline): Uncertain significance. Review status: criteria provided, multiple submitters, no conflicts (2 of 4 stars). 4 submissions from 4 submitters: Uncertain significance (4). Last evaluated 2023-07-18.

Conditions:
POLR3A-related disorder. Also called: POLR3A-related condition; POLR3A-related disorders. Identifiers: MedGen CN378587, MONDO:0700276.
Leukodystrophy, hypomyelinating, 7, with or without oligodontia and/or hypogonadotropic hypogonadism (HLD7). Also called: LEUKODYSTROPHY, HYPOMYELINATING, 7, WITH OLIGODONTIA; LEUKODYSTROPHY, HYPOMYELINATING, 7, WITH OLIGODONTIA AND HYPOGONADOTROPIC HYPOGONADISM; LEUKODYSTROPHY, HYPOMYELINATING, 7, WITHOUT OLIGODONTIA OR HYPOGONADOTROPIC HYPOGONADISM; LEUKOENCEPHALOPATHY, HYPOMYELINATING, WITH ATAXIA AND DELAYED DENTITION; ATAXIA, DELAYED DENTITION, AND HYPOMYELINATION; Ataxia, Delayed Dentition and Hypomyelination (ADDH). Identifiers: Orphanet 137639, Orphanet 447893, Orphanet 447896, Orphanet 77295, Orphanet 88637, MedGen CN034185, MONDO:0011897, OMIM 607694.

Allele frequency attached by ClinVar (database versions not stated): gnomAD exomes 0.00004; TOPMed 0.00004; ExAC 0.00005; gnomAD 0.00006; 1000 Genomes Project 0.00020; ESP Exome Variant Server 0.00023; 1000 Genomes Project 30x 0.00031.
gnomAD v4.1: 113 of 1,613,700 alleles (0.007%); highest among the groups gnomAD compares: Non-Finnish European, 0.0087%; no homozygotes.

Submissions (4):

PreventionGenetics, part of Exact Sciences
Classification: Uncertain significance for POLR3A-related condition. Last evaluated: 2023-07-18. Review status: criteria provided, single submitter. Criteria: ACMG Guidelines, 2015. Collection method: clinical testing. Allele origin: germline.
Comment: The POLR3A c.3646G>A variant is predicted to result in the amino acid substitution p.Glu1216Lys. To our knowledge, this variant has not been reported in the literature. This variant is reported in 0.0070% of alleles in individuals of European (Non-Finnish) descent in gnomAD. At this time, the clinical significance of this variant is uncertain due to the absence of conclusive functional and genetic evidence.

CeGaT Center for Human Genetics Tuebingen
Classification: Uncertain significance. Last evaluated: 2023-01-01. Review status: criteria provided, single submitter. Criteria: CeGaT Center For Human Genetics Tuebingen Variant Classification Criteria Version 2. Collection method: clinical testing. Allele origin: germline. Affected: yes. Observed: 1 variant allele.
Comment: POLR3A: PM2

Labcorp Genetics (formerly Invitae), Labcorp
Classification: Uncertain significance. Last evaluated: 2021-12-07. Review status: criteria provided, single submitter. Criteria: Invitae Variant Classification Sherloc (09022015). Collection method: clinical testing. Allele origin: germline.
Comment: This sequence change replaces glutamic acid, which is acidic and polar, with lysine, which is basic and polar, at codon 1216 of the POLR3A protein (p.Glu1216Lys). This variant is present in population databases (rs143679064, gnomAD 0.006%). This variant has not been reported in the literature in individuals affected with POLR3A-related conditions. ClinVar contains an entry for this variant (Variation ID: 878905). Algorithms developed to predict the effect of missense changes on protein structure and function are either unavailable or do not agree on the potential impact of this missense change (SIFT: "Deleterious"; PolyPhen-2: "Benign"; Align-GVGD: "Class C0"). In summary, the available evidence is currently insufficient to determine the role of this variant in disease. Therefore, it has been classified as a Variant of Uncertain Significance.

Illumina Laboratory Services, Illumina
Classification: Uncertain significance for Leukodystrophy, hypomyelinating, 7, with or without oligodontia and/or hypogonadotropic hypogonadism. Last evaluated: 2018-01-13. Review status: criteria provided, single submitter. Criteria: ICSL Variant Classification Criteria 13 December 2019. Collection method: clinical testing. Allele origin: germline.